The following is an entry in ClinVar:

NM_138420.4(AHNAK2):c.5685G>T (p.Gln1895His)

Gene: AHNAK2 (AHNAK nucleoprotein 2; minus strand). Cytogenetic location: 14q32.33.
Variant type: single nucleotide variant.
Coding change: c.5685G>T on transcript NM_138420.4 (MANE Select); coding-DNA position 5685, G replaced by T.
Protein change: p.Gln1895His; replaces glutamine 1895 with histidine.
Molecular consequence: missense variant.
Genome position (GRCh38, 1-based): chr14:104,949,766, C>A on the plus strand (G>T on the coding strand, the complement: AHNAK2 is on the minus strand). VCF-style: chr14-104949766-C-A. GRCh37 (hg19) VCF-style: chr14-105416103-C-A.
Other names: c.5385G>T, p.Gln1795His (NM_001350929.2); short protein forms Q1795H, Q1895H.
Identifiers: ClinVar variation 2644780 (VCV002644780.24), dbSNP rs377221849, ClinGen allele CA7381571.

ClinVar aggregate classification (germline): Likely benign (1 of 4 stars; one submission).

Allele frequency attached by ClinVar (database versions not stated): ESP Exome Variant Server 0.00068; 1000 Genomes Project 30x 0.00312; 1000 Genomes Project 0.00379.

Submission:

CeGaT Center for Human Genetics Tuebingen
Classification: Likely benign. Last evaluated: 2023-10-01. Review status: criteria provided, single submitter. Criteria: CeGaT Center For Human Genetics Tuebingen Variant Classification Criteria Version 2. Collection method: clinical testing. Allele origin: germline. Affected: yes. Observed: 2 variant alleles.
Comment: AHNAK2: BP4, BS2